The following is an entry in ClinVar:

ClinVar aggregate classification (germline): Benign (0 of 4 stars; one submission).

Conditions:
DNAH17-related disorder. Also called: DNAH17-related condition.

Allele frequency attached by ClinVar (database versions not stated): gnomAD exomes 0.00049; ExAC 0.00219; 1000 Genomes Project 0.00439; gnomAD 0.00473; TOPMed 0.00546; ESP Exome Variant Server 0.00561; 1000 Genomes Project 30x 0.00578.
gnomAD v4.1: 1,449 of 1,603,614 alleles (0.09%); highest among the groups gnomAD compares: African/African-American, 1.8%; 11 homozygotes.

Submission:

PreventionGenetics, part of Exact Sciences
Classification: Benign for DNAH17-related condition. Last evaluated: 2024-05-16. Review status: no assertion criteria provided. Collection method: clinical testing. Allele origin: germline.
Comment: This variant is classified as benign based on ACMG/AMP sequence variant interpretation guidelines (Richards et al. 2015 PMID: 25741868, with internal and published modifications).

NM_173628.4(DNAH17):c.1047A>G (p.Thr349=)

Gene: DNAH17 (dynein axonemal heavy chain 17; minus strand). Cytogenetic location: 17q25.3.
Variant type: single nucleotide variant.
Coding change: c.1047A>G on transcript NM_173628.4 (MANE Select); coding-DNA position 1047, A replaced by G.
Protein change: p.Thr349=; no amino-acid change (threonine 349 retained).
Molecular consequence: synonymous variant.
Genome position (GRCh38, 1-based): chr17:78,569,525, T>C on the plus strand (A>G on the coding strand, the complement: DNAH17 is on the minus strand). VCF-style: chr17-78569525-T-C. GRCh37 (hg19) VCF-style: chr17-76565607-T-C.
Identifiers: ClinVar variation 3035290 (VCV003035290.2), dbSNP rs116436885, ClinGen allele CA8805343.